The following is an entry in ClinVar:

NM_020975.6(RET):c.1079_1080delinsAA (p.Arg360Gln)

Gene: RET (ret proto-oncogene; plus strand). Cytogenetic location: 10q11.21.
Variant type: Indel.
Coding change: c.1079_1080delinsAA on transcript NM_020975.6 (MANE Select); coding-DNA positions 1079 to 1080, GG replaced by AA.
Protein change: p.Arg360Gln; replaces arginine 360 with glutamine.
Molecular consequence: missense variant.
Genome position (GRCh38, 1-based): chr10:43,109,046-43,109,047, GG replaced by AA. VCF-style: chr10-43109046-GG-AA. GRCh37 (hg19) VCF-style: chr10-43604494-GG-AA.
Other names: c.1079_1080delGGinsAA, p.Arg360Gln (NM_000323.2, NM_001406743.1, NM_001406744.1 and 6 more transcripts); c.317_318delGGinsAA, p.Arg106Gln (NM_001355216.2); c.950_951delGGinsAA, p.Arg317Gln (NM_001406761.1, NM_001406762.1, NM_001406764.1 and 1 more transcripts); c.791_792delGGinsAA, p.Arg264Gln (NM_001406766.1, NM_001406767.1, NM_001406770.1); c.641_642delGGinsAA, p.Arg214Gln (NM_001406771.1, NM_001406773.1); c.353_354delGGinsAA, p.Arg118Gln (NM_001406775.1, NM_001406776.1, NM_001406777.1 and 1 more transcripts); c.89_90delGGinsAA, p.Arg30Gln (NM_001406784.1); short protein forms R106Q, R264Q, R214Q, R30Q, R118Q, R317Q, R360Q.
Identifiers: ClinVar variation 1785569 (VCV001785569.2), dbSNP rs2538423282, ClinGen allele CA2580081477.

ClinVar aggregate classification (germline): Uncertain significance (1 of 4 stars; one submission).

Conditions:
Hereditary cancer-predisposing syndrome. Also called: Neoplastic Syndromes, Hereditary; Tumor predisposition; Hereditary Cancer Syndrome; Hereditary neoplastic syndrome. Identifiers: Orphanet 140162, MedGen C0027672, MeSH D009386, MONDO:0015356.

Submission:

Ambry Genetics
Classification: Uncertain significance for Hereditary cancer-predisposing syndrome. Last evaluated: 2021-12-29. Review status: criteria provided, single submitter. Criteria: Ambry Variant Classification Scheme 2023. Collection method: clinical testing. Allele origin: germline.
Comment: The c.1079_1080delGGinsAA variant, located in coding exon 6 of the RET gene, results from an in-frame deletion of GG and insertion of AA at nucleotide positions 1079 to 1080. This results in the substitution of the arginine residue for a glutamine residue at codon 360, an amino acid with highly similar properties. A different alteration leading to the same amino acid substitution, c.1079G>A (p.R360Q), has been reported in a cohort of 601 Chinese Hirschsprung disease patients (So MT et al. PLoS One, 2011 Dec;6:e28986). This amino acid position is well conserved in available vertebrate species. Since supporting evidence is limited at this time, the clinical significance of this alteration remains unclear.

Literature cited by the submitters: PubMed 22174939.